The following is an entry in ClinVar:

ClinVar aggregate classification (germline): Uncertain significance. Review status: criteria provided, multiple submitters, no conflicts (2 of 4 stars). 3 submissions from 3 submitters: Uncertain significance (3). Last evaluated 2024-10-02.

Conditions:
Inborn genetic diseases. Identifiers: MedGen C0950123, MeSH D030342.

Allele frequency attached by ClinVar (database versions not stated): gnomAD exomes below 0.00001 and 0.00002; ExAC 0.00002; gnomAD 0.00010 and 0.00012; TOPMed 0.00013; ESP Exome Variant Server 0.00015.
gnomAD v4.1: 16 of 1,613,868 alleles (0.00099%); highest among the groups gnomAD compares: African/African-American, 0.019%; no homozygotes.

Submissions (3):

Ambry Genetics
Classification: Uncertain significance for Inborn genetic diseases. Last evaluated: 2024-10-02. Review status: criteria provided, single submitter. Criteria: Ambry Variant Classification Scheme 2023. Collection method: clinical testing. Allele origin: germline.
Comment: The p.E681Q variant (also known as c.2041G>C), located in coding exon 1 of the SAMD9 gene, results from a G to C substitution at nucleotide position 2041. The glutamic acid at codon 681 is replaced by glutamine, an amino acid with highly similar properties. This amino acid position is conserved. In addition, this alteration is predicted to be tolerated by in silico analysis. Based on the available evidence, the clinical significance of this variant remains unclear.

Labcorp Genetics (formerly Invitae), Labcorp
Classification: Uncertain significance. Last evaluated: 2024-09-18. Review status: criteria provided, single submitter. Criteria: Invitae Variant Classification Sherloc (09022015). Collection method: clinical testing. Allele origin: germline.
Comment: This sequence change replaces glutamic acid, which is acidic and polar, with glutamine, which is neutral and polar, at codon 681 of the SAMD9 protein (p.Glu681Gln). This variant is present in population databases (rs145864982, gnomAD 0.02%). This variant has not been reported in the literature in individuals affected with SAMD9-related conditions. ClinVar contains an entry for this variant (Variation ID: 1433101). Invitae Evidence Modeling of protein sequence and biophysical properties (such as structural, functional, and spatial information, amino acid conservation, physicochemical variation, residue mobility, and thermodynamic stability) indicates that this missense variant is not expected to disrupt SAMD9 protein function with a negative predictive value of 95%. In summary, the available evidence is currently insufficient to determine the role of this variant in disease. Therefore, it has been classified as a Variant of Uncertain Significance.

GeneDx
Classification: Uncertain significance. Last evaluated: 2024-02-02. Review status: criteria provided, single submitter. Criteria: GeneDx Variant Classification Process June 2021. Collection method: clinical testing. Allele origin: germline. Affected: yes.
Comment: Not observed at significant frequency in large population cohorts (gnomAD); In silico analysis supports that this missense variant does not alter protein structure/function; Has not been previously published as pathogenic or benign to our knowledge

NM_017654.4(SAMD9):c.2041G>C (p.Glu681Gln)

Gene: SAMD9 (sterile alpha motif domain containing 9; minus strand). Cytogenetic location: 7q21.2.
Variant type: single nucleotide variant.
Coding change: c.2041G>C on transcript NM_017654.4 (MANE Select); coding-DNA position 2041, G replaced by C.
Protein change: p.Glu681Gln; replaces glutamic acid 681 with glutamine.
Molecular consequence: missense variant.
Genome position (GRCh38, 1-based): chr7:93,104,057, C>G on the plus strand (G>C on the coding strand, the complement: SAMD9 is on the minus strand). VCF-style: chr7-93104057-C-G. GRCh37 (hg19) VCF-style: chr7-92733370-C-G.
Other names: c.2041G>C, p.Glu681Gln (NM_001193307.2); c.2041G>C (NM_017654.3); short protein forms E681Q.
Identifiers: ClinVar variation 1433101 (VCV001433101.10), dbSNP rs145864982, ClinGen allele CA4342899.